The following is an entry in ClinVar:

ClinVar aggregate classification (germline): Uncertain significance. Review status: criteria provided, multiple submitters, no conflicts (2 of 4 stars). 2 submissions from 2 submitters: Uncertain significance (2). Last evaluated 2023-06-27.

Conditions:
NCOR2-related disorder. Also called: NCOR2-related condition.

Allele frequency attached by ClinVar (database versions not stated): gnomAD exomes 0.00005; gnomAD 0.00009; 1000 Genomes Project 30x 0.00016.
gnomAD v4.1: 80 of 1,543,752 alleles (0.0052%); highest among the groups gnomAD compares: Admixed American, 0.022%; no homozygotes.

Submissions (2):

PreventionGenetics, part of Exact Sciences
Classification: Uncertain significance for NCOR2-related condition. Last evaluated: 2023-06-27. Review status: criteria provided, single submitter. Criteria: ACMG Guidelines, 2015. Collection method: clinical testing. Allele origin: germline.
Comment: The NCOR2 c.4576G>A variant is predicted to result in the amino acid substitution p.Ala1526Thr. To our knowledge, this variant has not been reported in the literature. This variant is reported in 0.012% of alleles in individuals of Latino descent in gnomAD. At this time, the clinical significance of this variant is uncertain due to the absence of conclusive functional and genetic evidence.

Ambry Genetics
Classification: Uncertain significance. Last evaluated: 2021-11-22. Review status: criteria provided, single submitter. Criteria: Ambry Variant Classification Scheme 2023. Collection method: clinical testing. Allele origin: germline.

NM_006312.6(NCOR2):c.4576G>A (p.Ala1526Thr)

Gene: NCOR2 (nuclear receptor corepressor 2; minus strand). Cytogenetic location: 12q24.31.
Variant type: single nucleotide variant.
Coding change: c.4576G>A on transcript NM_006312.6 (MANE Select); coding-DNA position 4576, G replaced by A.
Protein change: p.Ala1526Thr; replaces alanine 1526 with threonine.
Molecular consequence: missense variant.
Genome position (GRCh38, 1-based): chr12:124,344,735, C>T on the plus strand (G>A on the coding strand, the complement: NCOR2 is on the minus strand). VCF-style: chr12-124344735-C-T. GRCh37 (hg19) VCF-style: chr12-124829281-C-T.
Other names: c.4546G>A, p.Ala1516Thr (NM_001077261.4, NM_001206654.2); short protein forms A1516T, A1526T.
Identifiers: ClinVar variation 2634689 (VCV002634689.2), dbSNP rs988342697, ClinGen allele CA245215295.